The following is an entry in ClinVar:

ClinVar aggregate classification (germline): Uncertain significance (1 of 4 stars; one submission).

Submission:

Ambry Genetics
Classification: Uncertain significance. Last evaluated: 2022-11-17. Review status: criteria provided, single submitter. Criteria: Ambry Variant Classification Scheme 2023. Collection method: clinical testing. Allele origin: germline.
Comment: The p.P2110S variant (also known as c.6328C>T), located in coding exon 47 of the PRKDC gene, results from a C to T substitution at nucleotide position 6328. The proline at codon 2110 is replaced by serine, an amino acid with similar properties. This amino acid position is conserved. In addition, this alteration is predicted to be tolerated by in silico analysis. Since supporting evidence is limited at this time, the clinical significance of this alteration remains unclear.

NM_006904.7(PRKDC):c.6328C>T (p.Pro2110Ser)

Gene: PRKDC (protein kinase, DNA-activated, catalytic subunit; minus strand). Cytogenetic location: 8q11.21.
Variant type: single nucleotide variant.
Coding change: c.6328C>T on transcript NM_006904.7 (MANE Select); coding-DNA position 6328, C replaced by T.
Protein change: p.Pro2110Ser; replaces proline 2110 with serine.
Molecular consequence: missense variant.
Genome position (GRCh38, 1-based): chr8:47,858,866, G>A on the plus strand (C>T on the coding strand, the complement: PRKDC is on the minus strand). VCF-style: chr8-47858866-G-A. GRCh37 (hg19) VCF-style: chr8-48771427-G-A.
Other names: c.6328C>T, p.Pro2110Ser (NM_001081640.2); short protein forms P2110S.
Identifiers: ClinVar variation 2452995 (VCV002452995.2), dbSNP rs2551870064, ClinGen allele CA371160845.
Genomic context (GRCh38, chr8:47,858,866, plus strand): 5'-CAATGAATATAGTATTAACAGGTAAGATGAGTGGGAAAAGCACCTCTTCTCCTTGAGGCG[G>A]GCCCAGGCTTCTGTGCATGTGCTTGACCAGGGCCGTCAGGGGCGCCATGCACTCATGCCG-3'
Protein context (NP_008835.5, residues 2100-2120): LVKHMHRSLG[Pro2110Ser]PQGEEDSVPR